The following is an entry in ClinVar:

ClinVar aggregate classification (germline): Uncertain significance (1 of 4 stars; one submission).

Submission:

Labcorp Genetics (formerly Invitae), Labcorp
Classification: Uncertain significance. Last evaluated: 2024-04-02. Review status: criteria provided, single submitter. Criteria: Invitae Variant Classification Sherloc (09022015). Collection method: clinical testing. Allele origin: germline.
Comment: This sequence change replaces serine, which is neutral and polar, with proline, which is neutral and non-polar, at codon 185 of the GEN1 protein (p.Ser185Pro). This variant is not present in population databases (gnomAD no frequency). This variant has not been reported in the literature in individuals affected with GEN1-related conditions. An algorithm developed to predict the effect of missense changes on protein structure and function (PolyPhen-2) suggests that this variant is likely to be tolerated. In summary, the available evidence is currently insufficient to determine the role of this variant in disease. Therefore, it has been classified as a Variant of Uncertain Significance.

NM_001130009.3(GEN1):c.553T>C (p.Ser185Pro)

Gene: GEN1 (GEN1 structure-specific endonuclease; plus strand). Cytogenetic location: 2p24.2.
Variant type: single nucleotide variant.
Coding change: c.553T>C on transcript NM_001130009.3 (MANE Select); coding-DNA position 553, T replaced by C.
Protein change: p.Ser185Pro; replaces serine 185 with proline.
Molecular consequence: missense variant.
Genome position (GRCh38, 1-based): chr2:17,766,606, T>C. VCF-style: chr2-17766606-T-C. GRCh37 (hg19) VCF-style: chr2-17947873-T-C.
Other names: c.553T>C, p.Ser185Pro (NM_182625.5); short protein forms S185P.
Identifiers: ClinVar variation 3648395 (VCV003648395.2).